The following is an entry in ClinVar:

NM_000264.5(PTCH1):c.3669G>A (p.Ser1223=)

Gene: PTCH1 (patched 1; minus strand). Cytogenetic location: 9q22.32.
Variant type: single nucleotide variant.
Coding change: c.3669G>A on transcript NM_000264.5 (MANE Select); coding-DNA position 3669, G replaced by A.
Protein change: p.Ser1223=; no amino-acid change (serine 1223 retained).
Molecular consequence: synonymous variant. On other transcripts: non-coding transcript variant (1).
Genome position (GRCh38, 1-based): chr9:95,449,204, C>T on the plus strand (G>A on the coding strand, the complement: PTCH1 is on the minus strand). VCF-style: chr9-95449204-C-T. GRCh37 (hg19) VCF-style: chr9-98211486-C-T.
Other names: c.3471G>A, p.Ser1157= (NM_001083602.3); c.3666G>A, p.Ser1222= (NM_001083603.3); c.3216G>A, p.Ser1072= (NM_001083604.3, NM_001083605.3, NM_001083606.3 and 1 more transcripts); c.3513G>A, p.Ser1171= (NM_001354918.2).
Identifiers: ClinVar variation 453860 (VCV000453860.19), dbSNP rs780515178, ClinGen allele CA5138085.

ClinVar aggregate classification (germline): Likely benign. Review status: criteria provided, multiple submitters, no conflicts (2 of 4 stars). 4 submissions from 4 submitters: Likely benign (4). Last evaluated 2026-02-02.

Conditions:
Hereditary cancer-predisposing syndrome. Also called: Tumor predisposition; Hereditary neoplastic syndrome; Neoplastic Syndromes, Hereditary; Hereditary Cancer Syndrome. Identifiers: Orphanet 140162, MedGen C0027672, MeSH D009386, MONDO:0015356.
Gorlin syndrome. Also called: Nevoid Basal Cell Carcinoma Syndrome; Basal cell nevus syndrome. Identifiers: Orphanet 377, MedGen C0004779, MONDO:0007187.
PTCH1-related disorder. Also called: PTCH1-related disorders; PTCH1-related condition.

Allele frequency attached by ClinVar (database versions not stated): TOPMed 0.00003; gnomAD exomes 0.00004; ExAC 0.00010.
gnomAD v4.1: 48 of 1,605,998 alleles (0.003%); highest among the groups gnomAD compares: African/African-American, 0.015%; no homozygotes.

Submissions (4):

Labcorp Genetics (formerly Invitae), Labcorp
Classification: Likely benign for Gorlin syndrome. Last evaluated: 2026-02-02. Review status: criteria provided, single submitter. Criteria: Invitae Variant Classification Sherloc (09022015). Collection method: clinical testing. Allele origin: germline.

PreventionGenetics, part of Exact Sciences
Classification: Likely benign for PTCH1-related condition. Last evaluated: 2025-02-11. Review status: criteria provided, single submitter. Criteria: ACMG Guidelines, 2015. Collection method: clinical testing. Allele origin: germline.
Comment: This variant is classified as likely benign based on ACMG/AMP sequence variant interpretation guidelines (Richards et al. 2015 PMID: 25741868, with internal and published modifications).

Sema4
Classification: Likely benign for Hereditary cancer-predisposing syndrome. Last evaluated: 2021-10-25. Review status: criteria provided, single submitter. Criteria: Sema4 Curation Guidelines. Collection method: curation. Allele origin: germline.

Ambry Genetics
Classification: Likely benign for Hereditary cancer-predisposing syndrome. Last evaluated: 2017-09-21. Review status: criteria provided, single submitter. Criteria: Ambry Variant Classification Scheme 2023. Collection method: clinical testing. Allele origin: germline.